The following is an entry in ClinVar:

ClinVar aggregate classification (germline): Conflicting classifications of pathogenicity. Review status: criteria provided, conflicting classifications (1 of 4 stars). 4 submissions from 4 submitters: Uncertain significance (1); Likely benign (3). Last evaluated 2025-04-28.

Conditions:
Cardiovascular phenotype. Identifiers: MedGen CN230736.
Catecholaminergic polymorphic ventricular tachycardia (CVPT). Also called: Catecholamine-induced polymorphic ventricular tachycardia. Identifiers: Orphanet 3286, MedGen C5574922, MONDO:0017990.
Cardiomyopathy (CMYO). Also called: Cardiomyopathies. Identifiers: Orphanet 167848, MedGen C0878544, MONDO:0004994, HP:0001638. Inheritance: Various modes of inheritance.
Catecholaminergic polymorphic ventricular tachycardia 1. Also called: VENTRICULAR TACHYCARDIA, CATECHOLAMINERGIC POLYMORPHIC, 1, WITH OR WITHOUT ATRIAL DYSFUNCTION AND/OR DILATED CARDIOMYOPATHY; RYR2-Related Catecholaminergic Polymorphic Ventricular Tachycardia; VENTRICULAR TACHYCARDIA, STRESS-INDUCED POLYMORPHIC 1. Identifiers: Orphanet 3286, MedGen C1631597, MONDO:0011484, OMIM 604772.

Allele frequency attached by ClinVar (database versions not stated): gnomAD exomes below 0.00001; gnomAD 0.00001; TOPMed 0.00001.
gnomAD v4.1: 4 of 1,604,908 alleles (0.00025%); highest among the groups gnomAD compares: Non-Finnish European, 0.00034%; no homozygotes.

Submissions (4):

Labcorp Genetics (formerly Invitae), Labcorp
Classification: Likely benign for Catecholaminergic polymorphic ventricular tachycardia 1. Last evaluated: 2025-04-28. Review status: criteria provided, single submitter. Criteria: Invitae Variant Classification Sherloc (09022015). Collection method: clinical testing. Allele origin: germline.

All of Us Research Program, National Institutes of Health
Classification: Likely benign for Catecholaminergic polymorphic ventricular tachycardia. Last evaluated: 2023-02-15. Review status: criteria provided, single submitter. Criteria: ACMG Guidelines, 2015. Collection method: clinical testing. Allele origin: germline. Inheritance: Autosomal dominant inheritance. Observed: 1 variant allele, 1 heterozygote.
Comment: This study involves interpretation of variants in research participants for the purpose of population health screening. Participant phenotype was not available at the time of variant classification. Additional details can be found in publication PMID: 35346344, PMCID: PMC8962531

Color Diagnostics, LLC DBA Color Health
Classification: Likely benign for Cardiomyopathy. Last evaluated: 2022-12-15. Review status: criteria provided, single submitter. Criteria: ACMG Guidelines, 2015. Collection method: clinical testing. Allele origin: germline.

Ambry Genetics
Classification: Uncertain significance for Cardiovascular phenotype. Last evaluated: 2022-08-02. Review status: criteria provided, single submitter. Criteria: Ambry Variant Classification Scheme 2023. Collection method: clinical testing. Allele origin: germline.
Comment: The c.9549C>T variant (also known as p.I3183I), located in coding exon 67 of the RYR2 gene, results from a C to T substitution at nucleotide position 9549. This nucleotide substitution does not change the isoleucine at codon 3183. This nucleotide position is well conserved in available vertebrate species. In silico splice site analysis for this alteration is inconclusive. Since supporting evidence is limited at this time, the clinical significance of this alteration remains unclear.

NM_001035.3(RYR2):c.9549C>T (p.Ile3183=)

Gene: RYR2 (ryanodine receptor 2; plus strand). Cytogenetic location: 1q43.
Variant type: single nucleotide variant.
Coding change: c.9549C>T on transcript NM_001035.3 (MANE Select); coding-DNA position 9549, C replaced by T.
Protein change: p.Ile3183=; no amino-acid change (isoleucine 3183 retained).
Molecular consequence: synonymous variant.
Genome position (GRCh38, 1-based): chr1:237,705,312, C>T. VCF-style: chr1-237705312-C-T. GRCh37 (hg19) VCF-style: chr1-237868612-C-T.
Identifiers: ClinVar variation 1088161 (VCV001088161.13), dbSNP rs1360654111, ClinGen allele CA423819329.